The following is an entry in ClinVar:

ClinVar aggregate classification (germline): Uncertain significance. Review status: criteria provided, multiple submitters, no conflicts (2 of 4 stars). 2 submissions from 2 submitters: Uncertain significance (2). Last evaluated 2026-01-21.

Conditions:
Cardiovascular phenotype. Identifiers: MedGen CN230736.

Submissions (2):

Ambry Genetics
Classification: Uncertain significance for Cardiovascular phenotype. Last evaluated: 2026-01-21. Review status: criteria provided, single submitter. Criteria: Ambry Variant Classification Scheme 2023. Collection method: clinical testing. Allele origin: germline.
Comment: The p.P1343R variant (also known as c.4028C>G), located in coding exon 25 of the APOB gene, results from a C to G substitution at nucleotide position 4028. The proline at codon 1343 is replaced by arginine, an amino acid with dissimilar properties. This amino acid position is conserved. In addition, this alteration is predicted to be tolerated by in silico analysis. Based on the available evidence, the clinical significance of this variant remains unclear.

GeneDx
Classification: Uncertain significance. Last evaluated: 2025-04-18. Review status: criteria provided, single submitter. Criteria: GeneDx Variant Classification Process June 2021. Collection method: clinical testing. Allele origin: germline. Affected: yes.
Comment: Not observed at significant frequency in large population cohorts (gnomAD); In silico analysis supports that this missense variant has a deleterious effect on protein structure/function; Has not been previously published as pathogenic or benign to our knowledge

NM_000384.3(APOB):c.4028C>G (p.Pro1343Arg)

Gene: APOB (apolipoprotein B; minus strand). Cytogenetic location: 2p24.1.
Variant type: single nucleotide variant.
Coding change: c.4028C>G on transcript NM_000384.3 (MANE Select); coding-DNA position 4028, C replaced by G.
Protein change: p.Pro1343Arg; replaces proline 1343 with arginine.
Molecular consequence: missense variant.
Genome position (GRCh38, 1-based): chr2:21,013,348, G>C on the plus strand (C>G on the coding strand, the complement: APOB is on the minus strand). VCF-style: chr2-21013348-G-C. GRCh37 (hg19) VCF-style: chr2-21236220-G-C.
Other names: short protein forms P1343R.
Identifiers: ClinVar variation 4282304 (VCV004282304.2).